The following is an entry in ClinVar:

NM_001278064.2(GRM1):c.1750C>T (p.Arg584Cys)

Gene: GRM1 (glutamate metabotropic receptor 1; plus strand). Cytogenetic location: 6q24.3.
Variant type: single nucleotide variant.
Coding change: c.1750C>T on transcript NM_001278064.2 (MANE Select); coding-DNA position 1750, C replaced by T.
Protein change: p.Arg584Cys; replaces arginine 584 with cysteine.
Molecular consequence: missense variant.
Genome position (GRCh38, 1-based): chr6:146,398,789, C>T. VCF-style: chr6-146398789-C-T. GRCh37 (hg19) VCF-style: chr6-146719925-C-T.
Other names: c.1750C>T, p.Arg584Cys (NM_001278065.2, NM_001278066.1, NM_001278067.1); short protein forms R584C.
Identifiers: ClinVar variation 447460 (VCV000447460.6), dbSNP rs146996893, ClinGen allele CA4037371.

ClinVar aggregate classification (germline): Uncertain significance. Review status: criteria provided, multiple submitters, no conflicts (2 of 4 stars). 3 submissions from 3 submitters: Uncertain significance (3). Last evaluated 2026-04-27.

Allele frequency attached by ClinVar (database versions not stated): TOPMed 0.00006; gnomAD 0.00009 and 0.00010; gnomAD exomes 0.00009 and 0.00010; ExAC 0.00013; ESP Exome Variant Server 0.00015.

Submissions (3):

Women's Health and Genetics/Laboratory Corporation of America, LabCorp
Classification: Uncertain significance. Last evaluated: 2026-04-27. Review status: criteria provided, single submitter. Criteria: LabCorp Variant Classification Summary - May 2015. Collection method: clinical testing. Allele origin: germline.
Comment: Variant summary: GRM1 c.1750C>T (p.Arg584Cys) results in a non-conservative amino acid change in the encoded protein sequence. Algorithms developed to predict the effect of missense changes on protein structure and function all suggest that this variant is likely to be disruptive. The variant allele was found at a frequency of 9.9e-05 in 251364 control chromosomes. This frequency is not significantly higher than estimated for disease-causing variants in GRM1, allowing no conclusion about variant significance. To our knowledge, no occurrence of c.1750C>T in individuals affected with GRM1-related conditions and no experimental evidence demonstrating its impact on protein function have been reported. ClinVar contains an entry for this variant (Variation ID: 447460). Based on the evidence outlined above, the variant was classified as uncertain significance.

Labcorp Genetics (formerly Invitae), Labcorp
Classification: Uncertain significance. Last evaluated: 2025-02-02. Review status: criteria provided, single submitter. Criteria: Invitae Variant Classification Sherloc (09022015). Collection method: clinical testing. Allele origin: germline.
Comment: This sequence change replaces arginine, which is basic and polar, with cysteine, which is neutral and slightly polar, at codon 584 of the GRM1 protein (p.Arg584Cys). This variant is present in population databases (rs146996893, gnomAD 0.03%). This variant has not been reported in the literature in individuals affected with GRM1-related conditions. ClinVar contains an entry for this variant (Variation ID: 447460). An algorithm developed to predict the effect of missense changes on protein structure and function (PolyPhen-2) suggests that this variant is likely to be tolerated. In summary, the available evidence is currently insufficient to determine the role of this variant in disease. Therefore, it has been classified as a Variant of Uncertain Significance.

Athena Diagnostics
Classification: Uncertain significance. Last evaluated: 2016-09-30. Review status: criteria provided, single submitter. Criteria: Athena Diagnostics Criteria. Collection method: clinical testing. Allele origin: germline.